The following is an entry in ClinVar:

ClinVar aggregate classification (germline): Uncertain significance. Review status: criteria provided, multiple submitters, no conflicts (2 of 4 stars). 2 submissions from 2 submitters: Uncertain significance (2). Last evaluated 2025-06-10.

Conditions:
Cardiovascular phenotype. Identifiers: MedGen CN230736.
Brugada syndrome. Also called: Sudden unexpected nocturnal death syndrome; Sudden unexplained nocturnal death syndrome; Sudden Unexplained Death Syndrome; Sudden Unexplained Nocturnal Death Syndrome (SUNDS). Identifiers: Orphanet 130, MedGen C1142166, MONDO:0015263.

Allele frequency attached by ClinVar (database versions not stated): gnomAD 0.00001.
gnomAD v4.1: 26 of 1,610,930 alleles (0.0016%); highest among the groups gnomAD compares: African/African-American, 0.0027%; no homozygotes.

Submissions (2):

Ambry Genetics
Classification: Uncertain significance for Cardiovascular phenotype. Last evaluated: 2025-06-10. Review status: criteria provided, single submitter. Criteria: Ambry Variant Classification Scheme 2023. Collection method: clinical testing. Allele origin: germline.
Comment: The p.R360C variant (also known as c.1078C>T), located in coding exon 8 of the SCN10A gene, results from a C to T substitution at nucleotide position 1078. The arginine at codon 360 is replaced by cysteine, an amino acid with highly dissimilar properties. This amino acid position is not well conserved in available vertebrate species. In addition, this alteration is predicted to be deleterious by in silico analysis. Since supporting evidence is limited at this time, the clinical significance of this alteration remains unclear.

Labcorp Genetics (formerly Invitae), Labcorp
Classification: Uncertain significance for Brugada syndrome. Last evaluated: 2020-06-23. Review status: criteria provided, single submitter. Criteria: Invitae Variant Classification Sherloc (09022015). Collection method: clinical testing. Allele origin: germline.
Comment: In summary, the available evidence is currently insufficient to determine the role of this variant in disease. Therefore, it has been classified as a Variant of Uncertain Significance. Algorithms developed to predict the effect of missense changes on protein structure and function are either unavailable or do not agree on the potential impact of this missense change (SIFT: "Deleterious"; PolyPhen-2: "Probably Damaging"; Align-GVGD: "Class C15"). This variant has not been reported in the literature in individuals with SCN10A-related conditions. This variant is not present in population databases (ExAC no frequency). This sequence change replaces arginine with cysteine at codon 360 of the SCN10A protein (p.Arg360Cys). The arginine residue is moderately conserved and there is a large physicochemical difference between arginine and cysteine.

NM_006514.4(SCN10A):c.1078C>T (p.Arg360Cys)

Gene: SCN10A (sodium voltage-gated channel alpha subunit 10; minus strand). Cytogenetic location: 3p22.2.
Variant type: single nucleotide variant.
Coding change: c.1078C>T on transcript NM_006514.4 (MANE Select); coding-DNA position 1078, C replaced by T.
Protein change: p.Arg360Cys; replaces arginine 360 with cysteine.
Molecular consequence: missense variant.
Genome position (GRCh38, 1-based): chr3:38,757,032, G>A on the plus strand (C>T on the coding strand, the complement: SCN10A is on the minus strand). VCF-style: chr3-38757032-G-A. GRCh37 (hg19) VCF-style: chr3-38798523-G-A.
Other names: c.1078C>T, p.Arg360Cys (NM_001293306.2, NM_001293307.2); short protein forms R360C.
Identifiers: ClinVar variation 946002 (VCV000946002.9), dbSNP rs773808340, ClinGen allele CA352170025.
Genomic context (GRCh38, chr3:38,757,032, plus strand): 5'-CCACCAGCCTCCAACCAAGTCTGCGTGGGGGAATGCAGCTCAGTACCTGCTGGTAGAGGC[G>A]TTCCCAGGAATCCTGTGTCATGAGGCGGAACAGTGAGAGGAAAGCCCAAGCAAAGGAATC-3'
Protein context (NP_006505.4, residues 350-370): FRLMTQDSWE[Arg360Cys]LYQQTLRTSG